The following is an entry in ClinVar:

NM_153026.3(PRICKLE1):c.399A>G (p.Ile133Met)

Gene: PRICKLE1 (prickle planar cell polarity protein 1; minus strand). Cytogenetic location: 12q12.
Variant type: single nucleotide variant.
Coding change: c.399A>G on transcript NM_153026.3 (MANE Select); coding-DNA position 399, A replaced by G.
Protein change: p.Ile133Met; replaces isoleucine 133 with methionine.
Molecular consequence: missense variant.
Genome position (GRCh38, 1-based): chr12:42,468,815, T>C on the plus strand (A>G on the coding strand, the complement: PRICKLE1 is on the minus strand). VCF-style: chr12-42468815-T-C. GRCh37 (hg19) VCF-style: chr12-42862617-T-C.
Other names: c.399A>G, p.Ile133Met (NM_001144881.2, NM_001144882.2, NM_001144883.2); short protein forms I133M.
Identifiers: ClinVar variation 2133684 (VCV002133684.4), dbSNP rs775864936, ClinGen allele CA384444057.
Genomic context (GRCh38, chr12:42,468,815, plus strand): 5'-TGGGTGCCAGCACACACCAGGGCCCGCACGGGAGGCGAACACTGCAACTTCACCTCCATT[T>C]ATCTTCAAACCACACTACAAACAAATGGGTTTGAATGTAAAAGGATCATTTTTTAAAGAC-3'
Protein context (NP_694571.2, residues 123-143): HAVCEQCGLK[Ile133Met]NGGEVAVFAS

ClinVar aggregate classification (germline): Uncertain significance (1 of 4 stars; one submission).

Conditions:
Epilepsy, progressive myoclonic, 1B. Also called: PME. Identifiers: Orphanet 308, MedGen C2676254, MONDO:0012904, OMIM 612437.

Submission:

Labcorp Genetics (formerly Invitae), Labcorp
Classification: Uncertain significance for Epilepsy, progressive myoclonic, 1B. Last evaluated: 2023-11-27. Review status: criteria provided, single submitter. Criteria: Invitae Variant Classification Sherloc (09022015). Collection method: clinical testing. Allele origin: germline.
Comment: This sequence change replaces isoleucine, which is neutral and non-polar, with methionine, which is neutral and non-polar, at codon 133 of the PRICKLE1 protein (p.Ile133Met). This variant is not present in population databases (gnomAD no frequency). This variant has not been reported in the literature in individuals affected with PRICKLE1-related conditions. ClinVar contains an entry for this variant (Variation ID: 2133684). Advanced modeling of protein sequence and biophysical properties (such as structural, functional, and spatial information, amino acid conservation, physicochemical variation, residue mobility, and thermodynamic stability) performed at Invitae indicates that this missense variant is not expected to disrupt PRICKLE1 protein function with a negative predictive value of 80%. In summary, the available evidence is currently insufficient to determine the role of this variant in disease. Therefore, it has been classified as a Variant of Uncertain Significance.